The following is an entry in ClinVar:

NM_002448.3(MSX1):c.89G>C (p.Gly30Ala)

Genes: MSX1 (msh homeobox 1; plus strand), LOC129992137 (ATAC-STARR-seq lymphoblastoid silent region 15219; plus strand). Cytogenetic location: 4p16.2.
Variant type: single nucleotide variant.
Coding change: c.89G>C on transcript NM_002448.3 (MANE Select); coding-DNA position 89, G replaced by C.
Protein change: p.Gly30Ala; replaces glycine 30 with alanine.
Molecular consequence: missense variant.
Genome position (GRCh38, 1-based): chr4:4,859,988, G>C. VCF-style: chr4-4859988-G-C. GRCh37 (hg19) VCF-style: chr4-4861715-G-C.
Other names: short protein forms G30A.
Identifiers: ClinVar variation 461605 (VCV000461605.9), dbSNP rs1414674827, ClinGen allele CA356137129.

ClinVar aggregate classification (germline): Uncertain significance (1 of 4 stars; one submission).

Conditions:
Hypoplastic enamel-onycholysis-hypohidrosis syndrome (TNS). Also called: NAIL DYSPLASIA WITH HYPODONTIA; WITKOP SYNDROME; Tooth-and-Nail Syndrome; ECTODERMAL DYSPLASIA 3, WITKOP TYPE; ECTODERMAL DYSPLASIA 3, TOOTH/NAIL TYPE. Identifiers: Orphanet 2228, MedGen C0406735, MONDO:0008582, OMIM 189500.

Submission:

Labcorp Genetics (formerly Invitae), Labcorp
Classification: Uncertain significance for Hypoplastic enamel-onycholysis-hypohidrosis syndrome. Last evaluated: 2017-07-06. Review status: criteria provided, single submitter. Criteria: Invitae Variant Classification Sherloc (09022015). Collection method: clinical testing. Allele origin: germline.
Comment: This variant has not been reported in the literature in individuals with MSX1-related disease. While this variant is not present in population databases, the frequency information is unreliable, as metrics indicate poor data quality at this position in the ExAC database. This sequence change replaces glycine with alanine at codon 30 of the MSX1 protein (p.Gly30Ala). The glycine residue is moderately conserved and there is a small physicochemical difference between glycine and alanine. In summary, the available evidence is currently insufficient to determine the role of this variant in disease. Therefore, it has been classified as a Variant of Uncertain Significance. Algorithms developed to predict the effect of missense changes on protein structure and function (SIFT, PolyPhen-2, Align-GVGD) all suggest that this variant is likely to be tolerated, but these predictions have not been confirmed by published functional studies and their clinical significance is uncertain.